The following is an entry in ClinVar:

ClinVar aggregate classification (germline): Uncertain significance. Review status: criteria provided, multiple submitters, no conflicts (2 of 4 stars). 3 submissions from 3 submitters: Uncertain significance (3). Last evaluated 2026-01-26.

Conditions:
Epidermolysis bullosa simplex 5C, with pyloric atresia (EBS5C). Also called: PLEC-Related Epidermolysis Bullosa with Pyloric Atresia; Epidermolysis bullosa simplex with pyloric atresia; PLEC1-Related Epidermolysis Bullosa with Pyloric Atresia. Identifiers: Orphanet 158684, MedGen C2677349, MONDO:0012807, OMIM 612138.
Epidermolysis bullosa simplex 5B, with muscular dystrophy (EBS5B). Also called: Epidermolysis bullosa simplex with muscular dystrophy; EPIDERMOLYSIS BULLOSA SIMPLEX AND LIMB-GIRDLE MUSCULAR DYSTROPHY. Identifiers: Orphanet 257, MedGen C2931072, MONDO:0009181, OMIM 226670.
Autosomal recessive limb-girdle muscular dystrophy type 2Q (LGMDR17). Also called: MUSCULAR DYSTROPHY, LIMB-GIRDLE, AUTOSOMAL RECESSIVE 17. Identifiers: Orphanet 254361, MedGen C3150989, MONDO:0013390, OMIM 613723.
Inborn genetic diseases. Identifiers: MedGen C0950123, MeSH D030342.
Epidermolysis bullosa simplex with nail dystrophy (EBS5D). Identifiers: MedGen C4225309, MONDO:0014661, OMIM 616487.
Epidermolysis bullosa simplex, Ogna type (EBS5A). Also called: Pidermolysis bullosa simplex 5A, Ogna type; EPIDERMOLYSIS BULLOSA SIMPLEX 5A, OGNA TYPE. Identifiers: Orphanet 79401, MedGen C0432317, MONDO:0007555, OMIM 131950.

Allele frequency attached by ClinVar (database versions not stated): gnomAD 0.00001.
gnomAD v4.1: 35 of 1,613,562 alleles (0.0022%); highest among the groups gnomAD compares: African/African-American, 0.004%; no homozygotes.

Submissions (3):

Labcorp Genetics (formerly Invitae), Labcorp
Classification: Uncertain significance for Autosomal recessive limb-girdle muscular dystrophy type 2Q; Epidermolysis bullosa simplex, Ogna type; Epidermolysis bullosa simplex with nail dystrophy; Epidermolysis bullosa simplex 5C, with pyloric atresia; Epidermolysis bullosa simplex 5B, with muscular dystrophy. Last evaluated: 2026-01-26. Review status: criteria provided, single submitter. Criteria: Invitae Variant Classification Sherloc (09022015). Collection method: clinical testing. Allele origin: germline.
Comment: This sequence change replaces glutamic acid, which is acidic and polar, with lysine, which is basic and polar, at codon 1352 of the PLEC protein (p.Glu1352Lys). This variant is present in population databases (no rsID available, gnomAD 0.004%). This variant has not been reported in the literature in individuals affected with PLEC-related conditions. ClinVar contains an entry for this variant (Variation ID: 569981). Invitae Evidence Modeling of protein sequence and biophysical properties (such as structural, functional, and spatial information, amino acid conservation, physicochemical variation, residue mobility, and thermodynamic stability) has been performed for this missense variant. However, the output from this modeling did not meet the statistical confidence thresholds required to predict the impact of this variant on PLEC protein function. In summary, the available evidence is currently insufficient to determine the role of this variant in disease. Therefore, it has been classified as a Variant of Uncertain Significance.

Ambry Genetics
Classification: Uncertain significance for Inborn genetic diseases. Last evaluated: 2025-05-04. Review status: criteria provided, single submitter. Criteria: Ambry Variant Classification Scheme 2023. Collection method: clinical testing. Allele origin: germline.

Clinical Genomics Laboratory, Washington University in St. Louis
Classification: Uncertain significance for Epidermolysis bullosa simplex 5C, with pyloric atresia; Epidermolysis bullosa simplex 5B, with muscular dystrophy; Autosomal recessive limb-girdle muscular dystrophy type 2Q. Last evaluated: 2023-08-14. Review status: criteria provided, single submitter. Criteria: ACMG Guidelines, 2015. Collection method: clinical testing. Allele origin: germline.
Comment: The PLEC c.3973G>A (p.Glu1325Lys) variant, to our knowledge, has not been reported in the medical literature but has been reported in the ClinVar database as a germline variant of uncertain significance by one submitter. This variant is only observed on 4/248,810 alleles in the general population (gnomAD v.2.1.1), indicating it is not a common variant. The amino acid at this position occurs in exon 30 and computational predictors indicate that the variant is damaging, evidence that correlates with impact to plectin function. Due to limited information, and based on ACMG/AMP guidelines for variant interpretation (Richards S et al., PMID: 25741868), the clinical significance of this variant is uncertain at this time.

NM_201384.3(PLEC):c.3973G>A (p.Glu1325Lys)

Gene: PLEC (plectin; minus strand). Cytogenetic location: 8q24.3.
Variant type: single nucleotide variant.
Coding change: c.3973G>A on transcript NM_201384.3 (MANE Select); coding-DNA position 3973, G replaced by A.
Protein change: p.Glu1325Lys; replaces glutamic acid 1325 with lysine.
Molecular consequence: missense variant.
Genome position (GRCh38, 1-based): chr8:143,926,855, C>T on the plus strand (G>A on the coding strand, the complement: PLEC is on the minus strand). VCF-style: chr8-143926855-C-T. GRCh37 (hg19) VCF-style: chr8-145001023-C-T.
Other names: c.4054G>A, p.Glu1352Lys (NM_000445.5); c.3931G>A, p.Glu1311Lys (NM_201378.4); c.3907G>A, p.Glu1303Lys (NM_201379.3); c.4384G>A, p.Glu1462Lys (NM_201380.4); c.3877G>A, p.Glu1293Lys (NM_201381.3); c.3973G>A, p.Glu1325Lys (NM_201382.4); c.3985G>A, p.Glu1329Lys (NM_201383.3); c.4054G>A (NM_000445.3); short protein forms E1462K, E1303K, E1329K, E1352K, E1293K, E1311K, E1325K.
Identifiers: ClinVar variation 569981 (VCV000569981.10), dbSNP rs782178037, ClinGen allele CA372563368.